The following is an entry in ClinVar:

ClinVar aggregate classification (germline): Uncertain significance. Review status: criteria provided, multiple submitters, no conflicts (2 of 4 stars). 3 submissions from 3 submitters: Uncertain significance (3). Last evaluated 2021-09-03.

Conditions:
Hereditary cancer-predisposing syndrome. Also called: Neoplastic Syndromes, Hereditary; Tumor predisposition; Hereditary Cancer Syndrome; Hereditary neoplastic syndrome. Identifiers: Orphanet 140162, MedGen C0027672, MeSH D009386, MONDO:0015356.
Familial adenomatous polyposis 1 (FAP1). Also called: FAMILIAL ADENOMATOUS POLYPOSIS 1, ATTENUATED; POLYPOSIS, ADENOMATOUS INTESTINAL. Identifiers: MedGen C2713442, MONDO:0021056, OMIM 175100. Disease mechanism: loss of function.

Allele frequency attached by ClinVar (database versions not stated): TOPMed below 0.00001.

Submissions (3):

Labcorp Genetics (formerly Invitae), Labcorp
Classification: Uncertain significance for Familial adenomatous polyposis 1. Last evaluated: 2021-09-03. Review status: criteria provided, single submitter. Criteria: Invitae Variant Classification Sherloc (09022015). Collection method: clinical testing. Allele origin: germline.
Comment: In summary, the available evidence is currently insufficient to determine the role of this variant in disease. Therefore, it has been classified as a Variant of Uncertain Significance. Algorithms developed to predict the effect of missense changes on protein structure and function are either unavailable or do not agree on the potential impact of this missense change (SIFT: "Deleterious"; PolyPhen-2: "Benign"; Align-GVGD: "Class C15"). This sequence change replaces alanine with serine at codon 612 of the APC protein (p.Ala612Ser). The alanine residue is highly conserved and there is a moderate physicochemical difference between alanine and serine. This variant is not present in population databases (ExAC no frequency). This variant has not been reported in the literature in individuals affected with APC-related conditions. ClinVar contains an entry for this variant (Variation ID: 482502).

Laboratory for Molecular Medicine, Mass General Brigham Personalized Medicine
Classification: Uncertain significance. Last evaluated: 2021-08-13. Review status: criteria provided, single submitter. Criteria: ACMG Guidelines, 2015. Collection method: clinical testing. Allele origin: germline.
Comment: The p.Ala612Ser variant in APC has not been previously reported in individuals with APC-related conditions and was absent from large population studies. Computational prediction tools and conservation analyses do not provide strong support for or against an impact to the protein. In summary, the clinical significance of this variant is uncertain. ACMG/AMP Criteria applied: PM2_Supporting.

Ambry Genetics
Classification: Uncertain significance for Hereditary cancer-predisposing syndrome. Last evaluated: 2020-03-24. Review status: criteria provided, single submitter. Criteria: Ambry Variant Classification Scheme 2023. Collection method: clinical testing. Allele origin: germline.
Comment: The p.A612S variant (also known as c.1834G>T), located in coding exon 14 of the APC gene, results from a G to T substitution at nucleotide position 1834. The alanine at codon 612 is replaced by serine, an amino acid with similar properties. This amino acid position is highly conserved in available vertebrate species. In addition, in silico predictors for this gene do not accurately predict pathogenicity. Since supporting evidence is limited at this time, the clinical significance of this alteration remains unclear.

NM_000038.6(APC):c.1834G>T (p.Ala612Ser)

Gene: APC (APC regulator of Wnt signaling pathway; plus strand). Cytogenetic location: 5q22.2.
Variant type: single nucleotide variant.
Coding change: c.1834G>T on transcript NM_000038.6 (MANE Select); coding-DNA position 1834, G replaced by T.
Protein change: p.Ala612Ser; replaces alanine 612 with serine.
Molecular consequence: missense variant.
Genome position (GRCh38, 1-based): chr5:112,835,041, G>T. VCF-style: chr5-112835041-G-T. GRCh37 (hg19) VCF-style: chr5-112170738-G-T.
Other names: c.1834G>T, p.Ala612Ser (NM_001127510.3, NM_001354895.2); c.1759G>T, p.Ala587Ser (NM_001354898.2); c.1780G>T, p.Ala594Ser (NM_001127511.3); c.1750G>T, p.Ala584Ser (NM_001354899.2); c.1711G>T, p.Ala571Ser (NM_001354900.2); c.1657G>T, p.Ala553Ser (NM_001354901.2); c.1888G>T, p.Ala630Ser (NM_001354896.2); c.1864G>T, p.Ala622Ser (NM_001354897.2); and 5 more; short protein forms A612S, A594S, A511S, A584S, A329S, A486S, A553S, A571S.
Identifiers: ClinVar variation 482502 (VCV000482502.14), dbSNP rs1038707565, ClinGen allele CA16025335.